The following is an entry in ClinVar:

ClinVar aggregate classification (germline): Pathogenic (1 of 4 stars; one submission).

Conditions:
Macrocephaly, neurodevelopmental delay, lymphoid hyperplasia, and persistent fetal hemoglobin (MNDLFH). Identifiers: Orphanet 694956, MedGen C5676928, MONDO:0859231, OMIM 619769.

Submission:

Institute of Human Genetics, University of Leipzig Medical Center
Classification: Pathogenic for Macrocephaly, neurodevelopmental delay, lymphoid hyperplasia, and persistent fetal hemoglobin. Last evaluated: 2024-06-19. Review status: criteria provided, single submitter. Criteria: ACMG Guidelines, 2015. Collection method: clinical testing. Allele origin: de novo. Inheritance: Autosomal dominant inheritance. Affected: yes.
Comment: Criteria applied: PVS1,PM2,PS2_SUP

NM_015898.4(ZBTB7A):c.98del (p.Leu33fs)

Gene: ZBTB7A (zinc finger and BTB domain containing 7A; minus strand). Cytogenetic location: 19p13.3.
Variant type: Deletion.
Coding change: c.98del on transcript NM_015898.4 (MANE Select); coding-DNA position 98, one base deleted (T; older notation c.98delT).
Protein change: p.Leu33fs; shifts the reading frame from leucine 33.
Molecular consequence: frameshift variant.
Genome position (GRCh38, 1-based): chr19:4,055,135, A deleted on the plus strand (T on the coding strand, the reverse complement: ZBTB7A is on the minus strand). VCF-style (leftmost placement, unchanged base first): chr19-4055134-CA-C. GRCh37 (hg19) VCF-style: chr19-4055132-CA-C.
Other names: c.98del, p.Leu33fs (NM_001317990.2); short protein forms L33fs.
Identifiers: ClinVar variation 3359129 (VCV003359129.2).